The following is an entry in ClinVar:

NM_000170.3(GLDC):c.2203-2A>T

Gene: GLDC (glycine decarboxylase; minus strand). Cytogenetic location: 9p24.1.
Variant type: single nucleotide variant.
Coding change: c.2203-2A>T on transcript NM_000170.3 (MANE Select); the canonical splice acceptor site of the intron before coding-DNA position 2203, A replaced by T.
Molecular consequence: splice acceptor variant.
Genome position (GRCh38, 1-based): chr9:6,554,783, T>A on the plus strand (A>T on the coding strand, the complement: GLDC is on the minus strand). VCF-style: chr9-6554783-T-A. GRCh37 (hg19) VCF-style: chr9-6554783-T-A.
Identifiers: ClinVar variation 1994870 (VCV001994870.4), dbSNP rs386833545, ClinGen allele CA372880432.
Genomic context (GRCh38, chr9:6,554,783, plus strand): 5'-TTGTGAAGATTTAGGTGCGAGACATCAGACCCGAAGTCTCCAGGGCGACAGATTCCCACC[T>A]ACCACAAAGGCAAGGGCCAAAAGCAAAAGTCAAGAGCTTGGAAGCACCCTCCAGTGTGAA-3'

ClinVar aggregate classification (germline): Pathogenic (1 of 4 stars; one submission).

Conditions:
Glycine encephalopathy. Also called: Nonketotic hyperglycinemia; Non-ketotic hyperglycinemia. Identifiers: Orphanet 407, MedGen C0751748, MONDO:0011612, HP:0008288.

gnomAD v4.1: 1 of 1,609,298 alleles (0.000062%); no homozygotes.

Submission:

Labcorp Genetics (formerly Invitae), Labcorp
Classification: Pathogenic for Glycine encephalopathy. Last evaluated: 2023-09-27. Review status: criteria provided, single submitter. Criteria: Invitae Variant Classification Sherloc (09022015). Collection method: clinical testing. Allele origin: germline.
Comment: This sequence change affects an acceptor splice site in intron 18 of the GLDC gene. It is expected to disrupt RNA splicing. Variants that disrupt the donor or acceptor splice site typically lead to a loss of protein function (PMID: 16199547), and loss-of-function variants in GLDC are known to be pathogenic (PMID: 16601880). This variant is not present in population databases (gnomAD no frequency). Disruption of this splice site has been observed in individual(s) with clinical features of glycine encephalopathy (PMID: 26179960). In at least one individual the data is consistent with being in trans (on the opposite chromosome) from a pathogenic variant. For these reasons, this variant has been classified as Pathogenic. ClinVar contains an entry for this variant (Variation ID: 1994870). Algorithms developed to predict the effect of sequence changes on RNA splicing suggest that this variant may disrupt the consensus splice site.

Literature cited by the submitters: PubMed 16199547; PubMed 16601880; PubMed 26179960.